The following is an entry in ClinVar:

ClinVar aggregate classification (germline): Uncertain significance (1 of 4 stars; one submission).

Allele frequency attached by ClinVar (database versions not stated): gnomAD exomes below 0.00001.
gnomAD v4.1: 1 of 1,614,190 alleles (0.000062%); highest among the groups gnomAD compares: Non-Finnish European, 0.000085%; no homozygotes.

Submission:

CeGaT Center for Human Genetics Tuebingen
Classification: Uncertain significance. Last evaluated: 2023-03-01. Review status: criteria provided, single submitter. Criteria: CeGaT Center For Human Genetics Tuebingen Variant Classification Criteria Version 2. Collection method: clinical testing. Allele origin: germline. Affected: yes. Observed: 1 variant allele.
Comment: BACH2: PM2, BP4

NM_021813.4(BACH2):c.215A>C (p.Asn72Thr)

Gene: BACH2 (BACH transcriptional regulator 2; minus strand). Cytogenetic location: 6q15.
Variant type: single nucleotide variant.
Coding change: c.215A>C on transcript NM_021813.4 (MANE Select); coding-DNA position 215, A replaced by C.
Protein change: p.Asn72Thr; replaces asparagine 72 with threonine.
Molecular consequence: missense variant.
Genome position (GRCh38, 1-based): chr6:90,008,630, T>G on the plus strand (A>C on the coding strand, the complement: BACH2 is on the minus strand). VCF-style: chr6-90008630-T-G. GRCh37 (hg19) VCF-style: chr6-90718349-T-G.
Other names: c.215A>C, p.Asn72Thr (NM_001170794.2); short protein forms N72T.
Identifiers: ClinVar variation 2656775 (VCV002656775.24), dbSNP rs1777538231, ClinGen allele CA365068978.